The following is an entry in ClinVar:

ClinVar aggregate classification (germline): Pathogenic/Likely pathogenic. Review status: criteria provided, multiple submitters, no conflicts (2 of 4 stars). 19 submissions from 19 submitters: Pathogenic (16); Likely pathogenic (1). 2 of the submissions do not count toward it. Last evaluated 2026-03-03.

Conditions:
SDHB-related disorder. Also called: SDHB-related condition; SDHB-related disorders. Identifiers: MedGen CN239418.
Inherited phaeochromocytoma and paraganglioma excluding NF1.
Gastrointestinal stromal tumor. Also called: Gastrointestinal stroma tumor; Gastrointestinal stromal tumor, somatic. Identifiers: Orphanet 44890, MedGen C0238198, MeSH D046152, MONDO:0011719, OMIM 606764, HP:0100723.
Pheochromocytoma. Also called: MAX-Related Hereditary Paraganglioma-Pheochromocytoma Syndrome. Identifiers: Orphanet 29072, MedGen C0031511, MONDO:0008233, OMIM 171300, HP:0002666.
Pheochromocytoma/paraganglioma syndrome 4. Also called: SDHB-Related Hereditary Paraganglioma-Pheochromocytoma Syndrome; CAROTID BODY TUMORS AND MULTIPLE EXTRAADRENAL PHEOCHROMOCYTOMAS; PARAGANGLIOMA, FAMILIAL MALIGNANT; PARAGANGLIOMAS, HEREDITARY EXTRAADRENAL; PHEOCHROMOCYTOMA, FAMILIAL EXTRAADRENAL; SDHB-Related Hereditary Paraganglioma-Pheochromocytoma Syndrome (Paragangliomas 4). Identifiers: Orphanet 29072, MedGen C1861848, MONDO:0007273, OMIM 115310.
Hereditary cancer-predisposing syndrome. Also called: Tumor predisposition; Neoplastic Syndromes, Hereditary; Hereditary neoplastic syndrome; Hereditary Cancer Syndrome. Identifiers: Orphanet 140162, MedGen C0027672, MeSH D009386, MONDO:0015356.
Hereditary pheochromocytoma and paraganglioma. Also called: Hereditary Paraganglioma-Pheochromocytoma Syndromes; Hereditary paragangliomas and pheochromocytomas; Hereditary pheochromocytoma-paraganglioma. Identifiers: Orphanet 29072, MedGen C4274332, MONDO:0017366.
Carney-Stratakis syndrome. Also called: PARAGANGLIOMA AND GASTROINTESTINAL STROMAL TUMOR. Identifiers: Orphanet 97286, MedGen C1847319, MONDO:0011740, OMIM 606864.

Allele frequency attached by ClinVar (database versions not stated): TOPMed below 0.00001.
gnomAD v4.1: 23 of 1,612,144 alleles (0.0014%); highest among the groups gnomAD compares: Non-Finnish European, 0.002%; no homozygotes.

Submissions 1 to 8 of 19:

PreventionGenetics, part of Exact Sciences
Classification: Pathogenic for SDHB-related condition. Last evaluated: 2026-03-03. Review status: criteria provided, single submitter. Criteria: ACMG Guidelines, 2015. Collection method: clinical testing. Allele origin: germline.
Comment: The SDHB c.72+1G>T variant is predicted to disrupt the GT donor site and interfere with normal splicing. This variant has been reported in multiple individuals with pheochromocytoma, paraganglioma, gastrointestinal stromal tumors, and renal cell carcinoma (Benn et al. 2006. PubMed ID: 16317055; Srirangalingam et al. 2008. PubMed ID: 18419787; Pasini et al. 2007. PubMed ID: 17667967; McWhinney et al. 2007. PubMed ID: 17804857; Housley et al. 2010. PubMed ID: 20459544; Schrader et al. 2016. PubMed ID: 26556299 ). This variant is reported in 0.0028% of alleles in individuals of European (Non-Finnish) descent in gnomAD and is interpreted as pathogenic/likely pathogenic in ClinVar (Variation ID: 142764). Variants that disrupt the consensus splice donor site in SDHB are expected to be pathogenic. This variant is interpreted as pathogenic.

Labcorp Genetics (formerly Invitae), Labcorp
Classification: Pathogenic for Gastrointestinal stromal tumor; Pheochromocytoma/paraganglioma syndrome 4; Pheochromocytoma. Last evaluated: 2026-02-03. Review status: criteria provided, single submitter. Criteria: Invitae Variant Classification Sherloc (09022015). Collection method: clinical testing. Allele origin: germline.
Comment: This sequence change affects a donor splice site in intron 1 of the SDHB gene. RNA analysis indicates that disruption of this splice site induces altered splicing and may result in an absent or altered protein product. The frequency data for this variant in the population databases is considered unreliable, as metrics indicate poor data quality at this position in the gnomAD database. Disruption of this splice site has been observed in individuals with clinical features of SDHB-related conditions (PMID: 16317055, 16472267, 16912137, 17667967, 18419787, 20418362, 20459544, 23666964). This variant is also known as IVS1+1G>T. ClinVar contains an entry for this variant (Variation ID: 142764). Studies have shown that disruption of this splice site results in retention of part of intron 1, and produces a non-functional protein and/or introduces a premature termination codon (PMID: 17667967; internal data). For these reasons, this variant has been classified as Pathogenic.

NHS Central & South Genomic Laboratory Hub
Classification: Pathogenic for Inherited phaeochromocytoma and paraganglioma excluding NF1. Last evaluated: 2025-10-21. Review status: criteria provided, single submitter. Criteria: ACMG Guidelines, 2015. Collection method: clinical testing. Allele origin: germline. Affected: yes.

Ambry Genetics
Classification: Pathogenic for Hereditary cancer-predisposing syndrome. Last evaluated: 2024-12-16. Review status: criteria provided, single submitter. Criteria: Ambry Variant Classification Scheme 2023. Collection method: clinical testing. Allele origin: germline.
Comment: The c.72+1G>T intronic pathogenic mutation results from a G to T substitution one nucleotide after coding exon 1 of the SDHB gene. This alteration has been observed in multiple individuals with a personal and/or family history that is consistent with SDHB-related disease (Ambry internal data; Benn DE et al. J Clin Endocrinol Metab. 2006: 91(3); 827-836; Brouwers FM et al. J Endocrinol Metab. 2006;91(11):4505-9; Timmers HJ et al. J Clin Endocrinol Metab. 2007;92(3): 779-86; Tsang VH et al. Endocr Relat Cancer. 2014 May 6;21(3):415-26; Jochmanova I et al. J. Cancer Res. Clin. Oncol. 2017 Aug;143(8):1421-1435; Pasini B et al. Eur J Hum Genet 2008 Jan;16(1):79-88; McWhinney SR et al. N Engl J Med 2007 Sep;357(10):1054-6; Rattenberry E et al. J Clin Endocrinol Metab 2013 Jul;98(7):E1248-56; Elston MS et al. Intern Med J 2006 Feb;36(2):129-31). This nucleotide position is highly conserved in available vertebrate species. In silico splice site analysis predicts that this alteration will weaken the native splice donor site and may result in the creation or strengthening of a novel splice donor site. In addition to the clinical data presented in the literature, alterations that disrupt the canonical splice site are expected to cause aberrant splicing, resulting in an abnormal protein or a transcript that is subject to nonsense-mediated mRNA decay. As such, this alteration is classified as pathogenic.

All of Us Research Program, National Institutes of Health
Classification: Pathogenic for Hereditary pheochromocytoma and paraganglioma. Last evaluated: 2024-08-23. Review status: criteria provided, single submitter. Criteria: ACMG Guidelines, 2015. Collection method: clinical testing. Allele origin: germline. Inheritance: Autosomal dominant inheritance. Observed: 2 variant alleles, 2 heterozygotes.
Comment: This variant causes a G to T nucleotide substitution at the +1 position of intron 1 of the SDHB gene. Splice site prediction tools predict that this variant may have a significant impact on RNA splicing. A functional RNA assay has shown that the variant results in aberrant mRNA resulting from the retention of intron 1 (PMID: 17667967). This variant has been reported in numerous individuals affected with paraganglioma and pheochromocytoma (PMID:16317055, 16472267, 16912137, 17667967, 17804857, 18419787, 20418362, 20459544, 23512077, 23666964, 26556299, 28374168, 29909963, 30050099, 30201732, 31492822, 33300499, 33362715). This variant has been identified in 3/242838 chromosomes in the general population by the Genome Aggregation Database (gnomAD). Loss of SDHB function is a known mechanism of disease. Based on the available evidence, this variant is classified as Pathogenic.

This study involves interpretation of variants in research participants for the purpose of population health screening. Participant phenotype was not available at the time of variant classification. Additional details can be found in publication PMID: 35346344, PMCID: PMC8962531

Color Diagnostics, LLC DBA Color Health
Classification: Pathogenic for Hereditary pheochromocytoma and paraganglioma. Last evaluated: 2023-12-05. Review status: criteria provided, single submitter. Criteria: ACMG Guidelines, 2015. Collection method: clinical testing. Allele origin: germline.
Comment: This variant causes a G to T nucleotide substitution at the +1 position of intron 1 of the SDHB gene. Splice site prediction tools predict that this variant may have a significant impact on RNA splicing. A functional RNA assay has shown that the variant results in aberrant mRNA resulting from the retention of intron 1 (PMID: 17667967). This variant has been reported in numerous individuals affected with paraganglioma and pheochromocytoma (PMID:16317055, 16472267, 16912137, 17667967, 17804857, 18419787, 20418362, 20459544, 23512077, 23666964, 26556299, 28374168, 29909963, 30050099, 30201732, 31492822, 33300499, 33362715). This variant has been identified in 3/242838 chromosomes in the general population by the Genome Aggregation Database (gnomAD). Loss of SDHB function is a known mechanism of disease. Based on the available evidence, this variant is classified as Pathogenic.

Baylor Genetics
Classification: Pathogenic for Gastrointestinal stromal tumor. Last evaluated: 2023-09-27. Review status: criteria provided, single submitter. Criteria: ACMG Guidelines, 2015. Collection method: clinical testing. Allele origin: unknown.

Institute for Genomic Medicine (IGM) Clinical Laboratory, Nationwide Children's Hospital
Classification: Pathogenic for Pheochromocytoma/paraganglioma syndrome 4. Last evaluated: 2023-07-26. Review status: criteria provided, single submitter. Criteria: ACMG Guidelines, 2015. Collection method: clinical testing. Allele origin: germline.
Comment: This variant is predicted to result in loss of function through nonsense-mediated decay of the encoded transcript or premature truncation of the encoded protein in a gene in which loss of function is a known mechanism of disease (ACMG/AMP: PVS1; PMID:17667967). Well-established functional studies have demonstrated this variant to have a damaging effect on protein function or splicing (ACMG/AMP: PS3). This variant has been reported at an elevated frequency in affected individuals/in multiple affected individuals in the literature (ACMG/AMP: PS4; PMIDs:16912137, 16317055, 17667967, 30201732, 30050099, 33300499, 23666964, 28374168). This variant is absent from or present at an exceedingly low frequency in gnomAD, a large-scale control population database (ACMG/AMP: PM2; PMIDs:28374168, 30201732).

NM_003000.3(SDHB):c.72+1G>T

Genes: SDHB (succinate dehydrogenase complex iron sulfur subunit B; minus strand), LOC129929542 (ATAC-STARR-seq lymphoblastoid active region 277; plus strand). Cytogenetic location: 1p36.13.
Variant type: single nucleotide variant.
Coding change: c.72+1G>T on transcript NM_003000.3 (MANE Select); the canonical splice donor site of the intron after coding-DNA position 72, G replaced by T.
Molecular consequence: splice donor variant.
Genome position (GRCh38, 1-based): chr1:17,053,947, C>A on the plus strand (G>T on the coding strand, the complement: SDHB is on the minus strand). VCF-style: chr1-17053947-C-A. GRCh37 (hg19) VCF-style: chr1-17380442-C-A.
Other names: IVS1DS, G-T, +1; c.72+1G>T (NM_001407361.1).
Identifiers: ClinVar variation 142764 (VCV000142764.45), dbSNP rs587782703, ClinGen allele CA016145.